The following is an entry in ClinVar:

NM_014611.3(MDN1):c.9682G>A (p.Gly3228Ser)

Gene: MDN1 (midasin AAA ATPase 1; minus strand). Cytogenetic location: 6q15.
Variant type: single nucleotide variant.
Coding change: c.9682G>A on transcript NM_014611.3 (MANE Select); coding-DNA position 9682, G replaced by A.
Protein change: p.Gly3228Ser; replaces glycine 3228 with serine.
Molecular consequence: missense variant.
Genome position (GRCh38, 1-based): chr6:89,695,694, C>T on the plus strand (G>A on the coding strand, the complement: MDN1 is on the minus strand). VCF-style: chr6-89695694-C-T. GRCh37 (hg19) VCF-style: chr6-90405413-C-T.
Other names: short protein forms G3228S.
Identifiers: ClinVar variation 3042230 (VCV003042230.2), dbSNP rs200370699, ClinGen allele CA3923746.
Genomic context (GRCh38, chr6:89,695,694, plus strand): 5'-CCCTCTTCACCGCAGGGTCAAAGCGTGCCTGGGGAAGCCATGTCTGAATCTGGAGCAAGC[C>T]GAGGCTCACCCAGAGGCTCCCACGCTGGGCTGGCTCAGGCAGGCTCCTCTTACTCTCCCC-3'
Protein context (NP_055426.1, residues 3218-3238): AQRGSLWVSL[Gly3228Ser]LLQIQTWLPQ

ClinVar aggregate classification (germline): Likely benign (0 of 4 stars; one submission).

Conditions:
MDN1-related disorder. Also called: MDN1-related condition.

Allele frequency attached by ClinVar (database versions not stated): TOPMed 0.00005; ESP Exome Variant Server 0.00008; gnomAD 0.00027; gnomAD exomes 0.00057; ExAC 0.00145; 1000 Genomes Project 30x 0.00172; 1000 Genomes Project 0.00180.
gnomAD v4.1: 883 of 1,613,696 alleles (0.055%); highest among the groups gnomAD compares: South Asian, 0.88%; 11 homozygotes.

Submission:

PreventionGenetics, part of Exact Sciences
Classification: Likely benign for MDN1-related condition. Last evaluated: 2019-04-08. Review status: no assertion criteria provided. Collection method: clinical testing. Allele origin: germline.
Comment: This variant is classified as likely benign based on ACMG/AMP sequence variant interpretation guidelines (Richards et al. 2015 PMID: 25741868, with internal and published modifications).